The following is an entry in ClinVar:

NM_024577.4(SH3TC2):c.1380G>A (p.Gln460=)

Gene: SH3TC2 (SH3 domain and tetratricopeptide repeats 2; minus strand). Cytogenetic location: 5q32.
Variant type: single nucleotide variant.
Coding change: c.1380G>A on transcript NM_024577.4 (MANE Select); coding-DNA position 1380, G replaced by A.
Protein change: p.Gln460=; no amino-acid change (glutamine 460 retained).
Molecular consequence: synonymous variant.
Genome position (GRCh38, 1-based): chr5:149,028,352, C>T on the plus strand (G>A on the coding strand, the complement: SH3TC2 is on the minus strand). VCF-style: chr5-149028352-C-T. GRCh37 (hg19) VCF-style: chr5-148407915-C-T.
Identifiers: ClinVar variation 3906043 (VCV003906043.10).

ClinVar aggregate classification (germline): Likely benign (1 of 4 stars; one submission).

Submission:

CeGaT Center for Human Genetics Tuebingen
Classification: Likely benign. Last evaluated: 2025-07-01. Review status: criteria provided, single submitter. Criteria: CeGaT Center For Human Genetics Tuebingen Variant Classification Criteria Version 2. Collection method: clinical testing. Allele origin: germline. Affected: yes. Observed: 1 variant allele.
Comment: SH3TC2: PM2:Supporting, BP4, BP7